The following is an entry in ClinVar:

ClinVar aggregate classification (germline): Uncertain significance (1 of 4 stars; one submission).

Conditions:
Diffuse cerebral and cerebellar atrophy - intractable seizures - progressive microcephaly syndrome. Also called: Microcephaly, progressive, with seizures and cerebral and cerebellar atrophy. Identifiers: Orphanet 404437, MedGen C4014239, MONDO:0014335, OMIM 615760.

Submission:

Labcorp Genetics (formerly Invitae), Labcorp
Classification: Uncertain significance for Diffuse cerebral and cerebellar atrophy - intractable seizures - progressive microcephaly syndrome. Last evaluated: 2022-05-14. Review status: criteria provided, single submitter. Criteria: Invitae Variant Classification Sherloc (09022015). Collection method: clinical testing. Allele origin: germline.
Comment: In summary, the available evidence is currently insufficient to determine the role of this variant in disease. Therefore, it has been classified as a Variant of Uncertain Significance. Algorithms developed to predict the effect of sequence changes on RNA splicing suggest that this variant may create or strengthen a splice site. Algorithms developed to predict the effect of missense changes on protein structure and function are either unavailable or do not agree on the potential impact of this missense change (SIFT: "Deleterious"; PolyPhen-2: "Possibly Damaging"; Align-GVGD: "Class C15"). This variant has not been reported in the literature in individuals affected with QARS-related conditions. This variant is not present in population databases (gnomAD no frequency). This sequence change replaces lysine, which is basic and polar, with glutamic acid, which is acidic and polar, at codon 652 of the QARS protein (p.Lys652Glu).

NM_005051.3(QARS1):c.1954A>G (p.Lys652Glu)

Gene: QARS1 (glutaminyl-tRNA synthetase 1; minus strand). Cytogenetic location: 3p21.31.
Variant type: single nucleotide variant.
Coding change: c.1954A>G on transcript NM_005051.3 (MANE Select); coding-DNA position 1954, A replaced by G.
Protein change: p.Lys652Glu; replaces lysine 652 with glutamic acid.
Molecular consequence: missense variant. On other transcripts: non-coding transcript variant (1).
Genome position (GRCh38, 1-based): chr3:49,098,602, T>C on the plus strand (A>G on the coding strand, the complement: QARS1 is on the minus strand). VCF-style: chr3-49098602-T-C. GRCh37 (hg19) VCF-style: chr3-49136035-T-C.
Other names: c.1921A>G, p.Lys641Glu (NM_001272073.2); short protein forms K641E, K652E.
Identifiers: ClinVar variation 1994319 (VCV001994319.4), dbSNP rs2471844424, ClinGen allele CA352699841.